The following is an entry in ClinVar:

NM_024675.4(PALB2):c.64G>C (p.Ala22Pro)

Gene: PALB2 (partner and localizer of BRCA2; minus strand). Cytogenetic location: 16p12.2.
Variant type: single nucleotide variant.
Coding change: c.64G>C on transcript NM_024675.4 (MANE Select); coding-DNA position 64, G replaced by C.
Protein change: p.Ala22Pro; replaces alanine 22 with proline.
Molecular consequence: missense variant.
Genome position (GRCh38, 1-based): chr16:23,638,114, C>G on the plus strand (G>C on the coding strand, the complement: PALB2 is on the minus strand). VCF-style: chr16-23638114-C-G. GRCh37 (hg19) VCF-style: chr16-23649435-C-G.
Other names: short protein forms A22P.
Identifiers: ClinVar variation 1040425 (VCV001040425.9), dbSNP rs1473970758, ClinGen allele CA395139877.

ClinVar aggregate classification (germline): Uncertain significance. Review status: criteria provided, multiple submitters, no conflicts (2 of 4 stars). 2 submissions from 2 submitters: Uncertain significance (2). Last evaluated 2021-10-14.

Conditions:
Hereditary cancer-predisposing syndrome. Also called: Hereditary Cancer Syndrome; Tumor predisposition; Hereditary neoplastic syndrome; Neoplastic Syndromes, Hereditary. Identifiers: Orphanet 140162, MedGen C0027672, MeSH D009386, MONDO:0015356.
Familial cancer of breast. Also called: hereditary breast carcinoma; Hereditary breast cancer; BREAST CANCER, FAMILIAL. Identifiers: Orphanet 227535, MedGen C0346153, MONDO:0016419, OMIM 114480. Disease mechanism: loss of function.

Submissions (2):

Ambry Genetics
Classification: Uncertain significance for Hereditary cancer-predisposing syndrome. Last evaluated: 2021-10-14. Review status: criteria provided, single submitter. Criteria: Ambry Variant Classification Scheme 2023. Collection method: clinical testing. Allele origin: germline.
Comment: The p.A22P variant (also known as c.64G>C), located in coding exon 2 of the PALB2 gene, results from a G to C substitution at nucleotide position 64. The alanine at codon 22 is replaced by proline, an amino acid with highly similar properties. This amino acid position is conserved. In addition, the in silico prediction for this alteration is inconclusive. Since supporting evidence is limited at this time, the clinical significance of this alteration remains unclear.

Labcorp Genetics (formerly Invitae), Labcorp
Classification: Uncertain significance for Familial cancer of breast. Last evaluated: 2021-09-01. Review status: criteria provided, single submitter. Criteria: Invitae Variant Classification Sherloc (09022015). Collection method: clinical testing. Allele origin: germline.
Comment: This sequence change replaces alanine with proline at codon 22 of the PALB2 protein (p.Ala22Pro). The alanine residue is moderately conserved and there is a small physicochemical difference between alanine and proline. This variant is not present in population databases (ExAC no frequency). This variant has not been reported in the literature in individuals affected with PALB2-related conditions. Algorithms developed to predict the effect of missense changes on protein structure and function are either unavailable or do not agree on the potential impact of this missense change (SIFT: "Tolerated"; PolyPhen-2: "Probably Damaging"; Align-GVGD: "Class C0"). In summary, the available evidence is currently insufficient to determine the role of this variant in disease. Therefore, it has been classified as a Variant of Uncertain Significance.